The following is an entry in ClinVar:

NM_001035.3(RYR2):c.9395G>A (p.Arg3132Lys)

Gene: RYR2 (ryanodine receptor 2; plus strand). Cytogenetic location: 1q43.
Variant type: single nucleotide variant.
Coding change: c.9395G>A on transcript NM_001035.3 (MANE Select); coding-DNA position 9395, G replaced by A.
Protein change: p.Arg3132Lys; replaces arginine 3132 with lysine.
Molecular consequence: missense variant.
Genome position (GRCh38, 1-based): chr1:237,702,005, G>A. VCF-style: chr1-237702005-G-A. GRCh37 (hg19) VCF-style: chr1-237865305-G-A.
Other names: short protein forms R3132K.
Identifiers: ClinVar variation 3385815 (VCV003385815.1).

ClinVar aggregate classification (germline): Uncertain significance (1 of 4 stars; one submission).

Conditions:
Catecholaminergic polymorphic ventricular tachycardia (CVPT). Also called: Catecholamine-induced polymorphic ventricular tachycardia. Identifiers: Orphanet 3286, MedGen C5574922, MONDO:0017990.

Submission:

All of Us Research Program, National Institutes of Health
Classification: Uncertain significance for Catecholaminergic polymorphic ventricular tachycardia. Last evaluated: 2024-08-06. Review status: criteria provided, single submitter. Criteria: ACMG Guidelines, 2015. Collection method: clinical testing. Allele origin: germline. Inheritance: Autosomal dominant inheritance. Observed: 1 variant allele, 1 heterozygote.
Comment: This study involves interpretation of variants in research participants for the purpose of population health screening. Participant phenotype was not available at the time of variant classification. Additional details can be found in publication PMID: 35346344, PMCID: PMC8962531